The following is an entry in ClinVar:

ClinVar aggregate classification (germline): Conflicting classifications of pathogenicity. Review status: criteria provided, conflicting classifications (1 of 4 stars). 2 submissions from 2 submitters: Uncertain significance (1); Likely benign (1). Last evaluated 2026-01-28.

Conditions:
Cataract 6 multiple types. Also called: CATARACT 6, CONGENITAL TOTAL; CATARACT, AGE-RELATED CORTICAL, 2; CATARACT 6, POSTERIOR POLAR. Identifiers: Orphanet 91492, MedGen C1861825, MONDO:0007288, OMIM 116600.

Allele frequency attached by ClinVar (database versions not stated): gnomAD 0.00007; ESP Exome Variant Server 0.00008; TOPMed 0.00008; gnomAD exomes 0.00009; ExAC 0.00013.

Submissions (2):

Labcorp Genetics (formerly Invitae), Labcorp
Classification: Likely benign for Cataract 6 multiple types. Last evaluated: 2026-01-28. Review status: criteria provided, single submitter. Criteria: Invitae Variant Classification Sherloc (09022015). Collection method: clinical testing. Allele origin: germline.

GeneDx
Classification: Uncertain significance. Last evaluated: 2022-05-17. Review status: criteria provided, single submitter. Criteria: GeneDx Variant Classification Process June 2021. Collection method: clinical testing. Allele origin: germline. Affected: yes.
Comment: In silico analysis supports that this missense variant does not alter protein structure/function; Has not been previously published as pathogenic or benign to our knowledge

NM_004431.5(EPHA2):c.1648G>C (p.Val550Leu)

Gene: EPHA2 (EPH receptor A2; minus strand). Cytogenetic location: 1p36.13.
Variant type: single nucleotide variant.
Coding change: c.1648G>C on transcript NM_004431.5 (MANE Select); coding-DNA position 1648, G replaced by C.
Protein change: p.Val550Leu; replaces valine 550 with leucine.
Molecular consequence: missense variant.
Genome position (GRCh38, 1-based): chr1:16,134,502, C>G on the plus strand (G>C on the coding strand, the complement: EPHA2 is on the minus strand). VCF-style: chr1-16134502-C-G. GRCh37 (hg19) VCF-style: chr1-16460997-C-G.
Other names: c.1486G>C, p.Val496Leu (NM_001329090.2); short protein forms V496L, V550L.
Identifiers: ClinVar variation 1800688 (VCV001800688.2), dbSNP rs200836253, ClinGen allele CA625101.
Genomic context (GRCh38, chr1:16,134,502, plus strand): 5'-GAGCCAGGGTATGGGCTCTGACGAACCTGCGGTGGATAAAGAAGCCAACTCCTGCCAGCA[C>G]CAGAAGCAGGACCACACCGACAGCCACGCCGCCAATCACCGCCAAGTTGCCAGATCCCTC-3'
Protein context (NP_004422.2, residues 540-560): GVAVGVVLLL[Val550Leu]LAGVGFFIHR